The following is an entry in ClinVar:

NM_024753.5(TTC21B):c.1272C>A (p.Asp424Glu)

Gene: TTC21B (tetratricopeptide repeat domain 21B; minus strand). Cytogenetic location: 2q24.3.
Variant type: single nucleotide variant.
Coding change: c.1272C>A on transcript NM_024753.5 (MANE Select); coding-DNA position 1272, C replaced by A.
Protein change: p.Asp424Glu; replaces aspartic acid 424 with glutamic acid.
Molecular consequence: missense variant.
Genome position (GRCh38, 1-based): chr2:165,929,249, G>T on the plus strand (C>A on the coding strand, the complement: TTC21B is on the minus strand). VCF-style: chr2-165929249-G-T. GRCh37 (hg19) VCF-style: chr2-166785759-G-T.
Other names: c.1272C>A (NM_024753.4); short protein forms D424E.
Identifiers: ClinVar variation 1384856 (VCV001384856.11), dbSNP rs533077805, ClinGen allele CA1942186.

ClinVar aggregate classification (germline): Benign/Likely benign. Review status: criteria provided, multiple submitters, no conflicts (2 of 4 stars). 5 submissions from 5 submitters: Benign (1); Likely benign (3). 1 of the submissions does not count toward it. Last evaluated 2026-09-01.

Conditions:
TTC21B-related disorder. Also called: TTC21B-related disorders; TTC21B-related condition.
Asphyxiating thoracic dystrophy 4 (SRTD4). Also called: SHORT-RIB THORACIC DYSPLASIA 4 WITH OR WITHOUT POLYDACTYLY; SHORT-RIB THORACIC DYSPLASIA 4. Identifiers: Orphanet 474, MedGen C3151185, MONDO:0013441, OMIM 613819.
Nephronophthisis 12 (NPHP12). Identifiers: Orphanet 655, MedGen C3151186, MONDO:0013442, OMIM 613820.
Jeune thoracic dystrophy. Also called: Jeune syndrome; Infantile thoracic dystrophy; Thoracic pelvic phalangeal dystrophy; Jeune's syndrome; Chondroectodermal dysplasia-like syndrome; Short-rib thoracic dysplasia. Identifiers: Orphanet 474, MedGen C0265275, MONDO:0018770.
Nephronophthisis. Also called: Juvenile Nephronophthisis. Identifiers: Orphanet 655, MedGen C0687120, MONDO:0019005, HP:0000090.

Allele frequency attached by ClinVar (database versions not stated): TOPMed 0.00002; gnomAD exomes 0.00012 and 0.00022; gnomAD 0.00013; ExAC 0.00027; 1000 Genomes Project 30x 0.00047; 1000 Genomes Project 0.00060.
gnomAD v4.1: 191 of 1,612,798 alleles (0.012%); highest among the groups gnomAD compares: South Asian, 0.2%; 3 homozygotes.

Submissions (5):

CeGaT Center for Human Genetics Tuebingen
Classification: Likely benign. Last evaluated: 2026-09-01. Review status: criteria provided, single submitter. Criteria: CeGaT Center For Human Genetics Tuebingen Variant Classification Criteria Version 2. Collection method: clinical testing. Allele origin: germline. Affected: yes. Observed: 1 variant allele.
Comment: TTC21B: BP4, BS1

Labcorp Genetics (formerly Invitae), Labcorp
Classification: Likely benign for Jeune thoracic dystrophy; Nephronophthisis. Last evaluated: 2025-08-03. Review status: criteria provided, single submitter. Criteria: Invitae Variant Classification Sherloc (09022015). Collection method: clinical testing. Allele origin: germline.

Fulgent Genetics
Classification: Likely benign for Asphyxiating thoracic dystrophy 4; Nephronophthisis 12. Last evaluated: 2024-05-24. Review status: criteria provided, single submitter. Criteria: ACMG Guidelines, 2015. Collection method: clinical testing. Allele origin: germline.

Blueprint Genetics
Classification: Benign. Last evaluated: 2024-04-09. Review status: criteria provided, single submitter. Criteria: ACMG Guidelines, 2015. Collection method: clinical testing. Allele origin: germline.

PreventionGenetics, part of Exact Sciences
Classification: Likely benign for TTC21B-related condition. Last evaluated: 2024-08-06. Review status: no assertion criteria provided. Collection method: clinical testing. Allele origin: germline. Not counted in ClinVar's aggregate classification.
Comment: This variant is classified as likely benign based on ACMG/AMP sequence variant interpretation guidelines (Richards et al. 2015 PMID: 25741868, with internal and published modifications).